The following is an entry in ClinVar:

NM_000256.3(MYBPC3):c.296A>C (p.Lys99Thr)

Gene: MYBPC3 (myosin binding protein C3; minus strand). Cytogenetic location: 11p11.2.
Variant type: single nucleotide variant.
Coding change: c.296A>C on transcript NM_000256.3 (MANE Select); coding-DNA position 296, A replaced by C.
Protein change: p.Lys99Thr; replaces lysine 99 with threonine.
Molecular consequence: missense variant.
Genome position (GRCh38, 1-based): chr11:47,350,612, T>G on the plus strand (A>C on the coding strand, the complement: MYBPC3 is on the minus strand). VCF-style: chr11-47350612-T-G. GRCh37 (hg19) VCF-style: chr11-47372163-T-G.
Other names: short protein forms K99T.
Identifiers: ClinVar variation 517237 (VCV000517237.13), dbSNP rs1555123639, ClinGen allele CA380341219.
Genomic context (GRCh38, chr11:47,350,612, plus strand): 5'-TCTCCAGGGGCTCCAGTGGCCTCAGCAGGGGCAGGGGCAGGGGCCAGCATGGGCTCTGCC[T>G]TCTCTGGAGGGGATCAGATGGGAGTCGTGGTGCAGCCACTAACCAGAGACCCCTCCACCC-3'
Protein context (NP_000247.2, residues 89-109): KFDLKVIEAE[Lys99Thr]AEPMLAPAPA

ClinVar aggregate classification (germline): Uncertain significance. Review status: criteria provided, multiple submitters, no conflicts (2 of 4 stars). 2 submissions from 2 submitters: Uncertain significance (2). Last evaluated 2019-11-26.

Conditions:
Hypertrophic cardiomyopathy. Also called: HYPERTROPHIC MYOCARDIOPATHY. Identifiers: Orphanet 217569, MedGen C0007194, MeSH D002312, MONDO:0005045, HP:0001639.

Allele frequency attached by ClinVar (database versions not stated): gnomAD exomes below 0.00001 and 0.00002.
gnomAD v4.1: 2 of 1,493,272 alleles (0.00013%); highest among the groups gnomAD compares: Non-Finnish European, 0.00018%; 1 homozygote.

Submissions (2):

Labcorp Genetics (formerly Invitae), Labcorp
Classification: Uncertain significance for Hypertrophic cardiomyopathy. Last evaluated: 2019-11-26. Review status: criteria provided, single submitter. Criteria: Invitae Variant Classification Sherloc (09022015). Collection method: clinical testing. Allele origin: germline.
Comment: This sequence change replaces lysine with threonine at codon 99 of the MYBPC3 protein (p.Lys99Thr). The lysine residue is moderately conserved and there is a moderate physicochemical difference between lysine and threonine. The frequency data for this variant in the population databases is considered unreliable, as metrics indicate insufficient coverage at this position in the ExAC database. This variant has not been reported in the literature in individuals with MYBPC3-related conditions. ClinVar contains an entry for this variant (Variation ID: 517237). Algorithms developed to predict the effect of missense changes on protein structure and function (SIFT, PolyPhen-2, Align-GVGD) all suggest that this variant is likely to be tolerated, but these predictions have not been confirmed by published functional studies and their clinical significance is uncertain. In summary, the available evidence is currently insufficient to determine the role of this variant in disease. Therefore, it has been classified as a Variant of Uncertain Significance.

Laboratory for Molecular Medicine, Mass General Brigham Personalized Medicine
Classification: Uncertain significance. Last evaluated: 2017-01-11. Review status: criteria provided, single submitter. Criteria: LMM Criteria. Collection method: clinical testing. Allele origin: germline. Observed: 1 variant allele.
Comment: The p.Lys99Thr variant in MYBPC3 has not been previously reported in individuals with cardiomyopathy. Data from large population studies is insufficient to asse ss the frequency of this variant. This variant was predicted to be benign using a computational tool clinically validated by our laboratory. This tool's benign prediction is estimated to be correct 89% of the time (Jordan 2011). In summary , the clinical significance of the p.Lys99Thr variant is uncertain.